The following is an entry in ClinVar:

ClinVar aggregate classification (germline): Uncertain significance. Review status: criteria provided, multiple submitters, no conflicts (2 of 4 stars). 2 submissions from 2 submitters: Uncertain significance (2). Last evaluated 2026-08-04.

Conditions:
Inborn genetic diseases. Identifiers: MedGen C0950123, MeSH D030342.

Allele frequency attached by ClinVar (database versions not stated): gnomAD exomes below 0.00001; TOPMed 0.00001; gnomAD 0.00001.
gnomAD v4.1: 2 of 1,613,982 alleles (0.00012%); highest among the groups gnomAD compares: African/African-American, 0.0013%; no homozygotes.

Submissions (2):

Ambry Genetics
Classification: Uncertain significance for Inborn genetic diseases. Last evaluated: 2026-08-04. Review status: criteria provided, single submitter. Criteria: Ambry Variant Classification Scheme 2023. Collection method: clinical testing. Allele origin: germline.

Labcorp Genetics (formerly Invitae), Labcorp
Classification: Uncertain significance. Last evaluated: 2024-06-24. Review status: criteria provided, single submitter. Criteria: Invitae Variant Classification Sherloc (09022015). Collection method: clinical testing. Allele origin: germline.
Comment: This sequence change replaces glycine, which is neutral and non-polar, with valine, which is neutral and non-polar, at codon 1325 of the FLNB protein (p.Gly1325Val). This variant is not present in population databases (gnomAD no frequency). This variant has not been reported in the literature in individuals affected with FLNB-related conditions. ClinVar contains an entry for this variant (Variation ID: 2168563). Advanced modeling of protein sequence and biophysical properties (such as structural, functional, and spatial information, amino acid conservation, physicochemical variation, residue mobility, and thermodynamic stability) performed at Invitae indicates that this missense variant is not expected to disrupt FLNB protein function with a negative predictive value of 95%. In summary, the available evidence is currently insufficient to determine the role of this variant in disease. Therefore, it has been classified as a Variant of Uncertain Significance.

NM_001457.4(FLNB):c.3974G>T (p.Gly1325Val)

Gene: FLNB (filamin B; plus strand). Cytogenetic location: 3p14.3.
Variant type: single nucleotide variant.
Coding change: c.3974G>T on transcript NM_001457.4 (MANE Select); coding-DNA position 3974, G replaced by T.
Protein change: p.Gly1325Val; replaces glycine 1325 with valine.
Molecular consequence: missense variant.
Genome position (GRCh38, 1-based): chr3:58,125,656, G>T. VCF-style: chr3-58125656-G-T. GRCh37 (hg19) VCF-style: chr3-58111383-G-T.
Other names: c.3974G>T (NM_001457.3); c.3974G>T, p.Gly1325Val (NM_001164317.2, NM_001164318.2, NM_001164319.2); short protein forms G1325V.
Identifiers: ClinVar variation 2168563 (VCV002168563.5), dbSNP rs1484291984, ClinGen allele CA353349920.